The following is an entry in ClinVar:

NM_001126108.2(SLC12A3):c.2083G>A (p.Gly695Arg)

Gene: SLC12A3 (solute carrier family 12 member 3; plus strand). Cytogenetic location: 16q13.
Variant type: single nucleotide variant.
Coding change: c.2083G>A on transcript NM_001126108.2 (MANE Select); coding-DNA position 2083, G replaced by A.
Protein change: p.Gly695Arg; replaces glycine 695 with arginine.
Molecular consequence: missense variant.
Genome position (GRCh38, 1-based): chr16:56,886,998, G>A. VCF-style: chr16-56886998-G-A. GRCh37 (hg19) VCF-style: chr16-56920910-G-A.
Other names: p.Gly695Arg; c.2083G>A, p.Gly695Arg (NM_000339.3); c.2080G>A, p.Gly694Arg (NM_001126107.2); short protein forms G695R, G694R.
Identifiers: ClinVar variation 777031 (VCV000777031.19), dbSNP rs36031476, ClinGen allele CA8069733.

ClinVar aggregate classification (germline): Benign/Likely benign. Review status: criteria provided, multiple submitters, no conflicts (2 of 4 stars). 7 submissions from 7 submitters: Benign (2); Likely benign (4). 1 of the submissions does not count toward it. Last evaluated 2026-01-28.

Conditions:
Familial hypokalemia-hypomagnesemia (GTLMNS). Also called: HYPOMAGNESEMIA-HYPOKALEMIA, PRIMARY RENOTUBULAR, WITH HYPOCALCIURIA; POTASSIUM AND MAGNESIUM DEPLETION; gitelman syndrome. Identifiers: Orphanet 358, MedGen C0268450, MONDO:0009904, OMIM 263800.

Allele frequency attached by ClinVar (database versions not stated): gnomAD 0.00473; 1000 Genomes Project 0.00499; 1000 Genomes Project 30x 0.00500; TOPMed 0.00508; ESP Exome Variant Server 0.00592.
gnomAD v4.1: 1,415 of 1,613,314 alleles (0.088%); highest among the groups gnomAD compares: African/African-American, 1.7%; 9 homozygotes.

Submissions (7):

Labcorp Genetics (formerly Invitae), Labcorp
Classification: Benign. Last evaluated: 2026-01-28. Review status: criteria provided, single submitter. Criteria: Invitae Variant Classification Sherloc (09022015). Collection method: clinical testing. Allele origin: germline.

Mayo Clinic Laboratories, Mayo Clinic
Classification: Likely benign. Last evaluated: 2025-12-17. Review status: criteria provided, single submitter. Criteria: ACMG Guidelines, 2015. Collection method: clinical testing. Allele origin: germline. Observed: 1 variant allele.
Comment: BS1

Blueprint Genetics
Classification: Likely benign. Last evaluated: 2024-11-26. Review status: criteria provided, single submitter. Criteria: ACMG Guidelines, 2015. Collection method: clinical testing. Allele origin: germline.

Genome-Nilou Lab
Classification: Benign for Familial hypokalemia-hypomagnesemia. Last evaluated: 2021-07-15. Review status: criteria provided, single submitter. Criteria: ACMG Guidelines, 2015. Collection method: clinical testing. Allele origin: germline. Affected: no.

Athena Diagnostics
Classification: Likely benign. Last evaluated: 2020-12-23. Review status: criteria provided, single submitter. Criteria: Athena Diagnostics criteria. Collection method: clinical testing. Allele origin: unknown.

GeneDx
Classification: Likely benign. Last evaluated: 2020-10-20. Review status: criteria provided, single submitter. Criteria: GeneDx Variant Classification Process June 2021. Collection method: clinical testing. Allele origin: germline. Affected: yes.

Natera, Inc.
Classification: Benign for Gitelman syndrome. Last evaluated: 2020-01-06. Review status: no assertion criteria provided. Collection method: clinical testing. Allele origin: germline. Not counted in ClinVar's aggregate classification.